The following is an entry in ClinVar:

NM_018429.3(BDP1):c.4470+19G>A

Gene: BDP1 (BDP1 general transcription factor IIIB subunit; plus strand). Cytogenetic location: 5q13.2.
Variant type: single nucleotide variant.
Coding change: c.4470+19G>A on transcript NM_018429.3 (MANE Select); 19 bases into the intron after coding-DNA position 4470, G replaced by A.
Molecular consequence: intron variant.
Genome position (GRCh38, 1-based): chr5:71,513,426, G>A. VCF-style: chr5-71513426-G-A. GRCh37 (hg19) VCF-style: chr5-70809253-G-A.
Identifiers: ClinVar variation 1691593 (VCV001691593.4), dbSNP rs369333012, ClinGen allele CA3296702.

ClinVar aggregate classification (germline): Likely benign. Review status: criteria provided, multiple submitters, no conflicts (2 of 4 stars). 2 submissions from 2 submitters: Likely benign (2). Last evaluated 2024-11-21.

Allele frequency attached by ClinVar (database versions not stated): ExAC 0.00075; 1000 Genomes Project 0.00100; 1000 Genomes Project 30x 0.00109; ESP Exome Variant Server 0.00026; TOPMed 0.00033.
gnomAD v4.1: 574 of 1,428,962 alleles (0.04%); highest among the groups gnomAD compares: Middle Eastern, 0.31%; 1 homozygote.

Submissions (2):

Blueprint Genetics
Classification: Likely benign. Last evaluated: 2024-11-21. Review status: criteria provided, single submitter. Criteria: ACMG Guidelines, 2015. Collection method: clinical testing. Allele origin: germline.

GeneDx
Classification: Likely benign. Last evaluated: 2021-12-11. Review status: criteria provided, single submitter. Criteria: GeneDx Variant Classification Process June 2021. Collection method: clinical testing. Allele origin: germline. Affected: yes.
Comment: See Variant Classification Assertion Criteria.